The following is an entry in ClinVar:

ClinVar aggregate classification (germline): Uncertain significance. Review status: criteria provided, multiple submitters, no conflicts (2 of 4 stars). 2 submissions from 2 submitters: Uncertain significance (2). Last evaluated 2025-05-05.

Conditions:
Inborn genetic diseases. Identifiers: MedGen C0950123, MeSH D030342.
ALG1-congenital disorder of glycosylation. Also called: CDG Ik; CONGENITAL DISORDER OF GLYCOSYLATION, TYPE Ik; ALG1-CDG. Identifiers: Orphanet 79327, MedGen C2931005, MONDO:0012052, OMIM 608540.

Allele frequency attached by ClinVar (database versions not stated): gnomAD exomes 0.00001 and 0.00002.
gnomAD v4.1: 10 of 1,596,480 alleles (0.00063%); highest among the groups gnomAD compares: Non-Finnish European, 0.00085%; no homozygotes.

Submissions (2):

Ambry Genetics
Classification: Uncertain significance for Inborn genetic diseases. Last evaluated: 2025-05-05. Review status: criteria provided, single submitter. Criteria: Ambry Variant Classification Scheme 2023. Collection method: clinical testing. Allele origin: germline.

Labcorp Genetics (formerly Invitae), Labcorp
Classification: Uncertain significance for ALG1-congenital disorder of glycosylation. Last evaluated: 2021-08-31. Review status: criteria provided, single submitter. Criteria: Invitae Variant Classification Sherloc (09022015). Collection method: clinical testing. Allele origin: germline.
Comment: This sequence change replaces lysine with arginine at codon 439 of the ALG1 protein (p.Lys439Arg). The lysine residue is moderately conserved and there is a small physicochemical difference between lysine and arginine. This variant is not present in population databases (ExAC no frequency). This variant has not been reported in the literature in individuals affected with ALG1-related conditions. Advanced modeling of protein sequence and biophysical properties (such as structural, functional, and spatial information, amino acid conservation, physicochemical variation, residue mobility, and thermodynamic stability) performed at Invitae indicates that this missense variant is not expected to disrupt ALG1 protein function. In summary, the available evidence is currently insufficient to determine the role of this variant in disease. Therefore, it has been classified as a Variant of Uncertain Significance.

NM_019109.5(ALG1):c.1316A>G (p.Lys439Arg)

Genes: EEF2KMT (eukaryotic elongation factor 2 lysine methyltransferase; minus strand), ALG1 (ALG1 chitobiosyldiphosphodolichol beta-mannosyltransferase; plus strand). Cytogenetic location: 16p13.3.
Variant type: single nucleotide variant.
Coding change: c.1316A>G on transcript NM_019109.5 (MANE Select); coding-DNA position 1316, A replaced by G.
Protein change: p.Lys439Arg; replaces lysine 439 with arginine.
Molecular consequence: missense variant. On other transcripts: 3 prime UTR variant (3).
Genome position (GRCh38, 1-based): chr16:5,084,802, A>G. VCF-style: chr16-5084802-A-G. GRCh37 (hg19) VCF-style: chr16-5134803-A-G.
Other names: c.*830T>C (NM_001289029.2, NM_201400.4, NM_201598.4); c.983A>G, p.Lys328Arg (NM_001330504.2); c.1316A>G (NM_019109.4); short protein forms K328R, K439R.
Identifiers: ClinVar variation 1425428 (VCV001425428.6), dbSNP rs1281758881, ClinGen allele CA394674904.
Genomic context (GRCh38, chr16:5,084,802, plus strand): 5'-TTTTGCAGATGCTTTTCTCAAACTTTCCTGATCCTGCGGGCAAGCTAAACCAGTTCCGGA[A>G]GAACCTGCGGGAGTCGCAGCAGCTCCGATGGGATGAGAGCTGGGTGCAGACTGTGCTCCC-3'
Protein context (NP_061982.3, residues 429-449): DPAGKLNQFR[Lys439Arg]NLRESQQLRW